The following is an entry in ClinVar:

ClinVar aggregate classification (germline): Benign/Likely benign. Review status: criteria provided, multiple submitters, no conflicts (2 of 4 stars). 4 submissions from 4 submitters: Benign (1); Likely benign (3). Last evaluated 2024-12-08.

Conditions:
Hereditary cancer-predisposing syndrome. Also called: Tumor predisposition; Hereditary Cancer Syndrome; Neoplastic Syndromes, Hereditary; Hereditary neoplastic syndrome. Identifiers: Orphanet 140162, MedGen C0027672, MeSH D009386, MONDO:0015356.
Juvenile polyposis syndrome (JPS). Identifiers: Orphanet 2929, MedGen C0345893, MONDO:0017380, OMIM 174900.

Submissions (4):

Labcorp Genetics (formerly Invitae), Labcorp
Classification: Likely benign for Juvenile polyposis syndrome. Last evaluated: 2024-12-08. Review status: criteria provided, single submitter. Criteria: Invitae Variant Classification Sherloc (09022015). Collection method: clinical testing. Allele origin: germline.

Myriad Genetics, Inc.
Classification: Benign for Juvenile polyposis syndrome. Last evaluated: 2024-07-31. Review status: criteria provided, single submitter. Criteria: Myriad Autosomal Dominant, Autosomal Recessive and X-Linked Classification Criteria (2023). Collection method: clinical testing. Allele origin: unknown.
Comment: This variant is considered benign. This variant is a silent/synonymous amino acid change and it is not expected to impact splicing.

Ambry Genetics
Classification: Likely benign for Hereditary cancer-predisposing syndrome. Last evaluated: 2020-02-08. Review status: criteria provided, single submitter. Criteria: Ambry Variant Classification Scheme 2023. Collection method: clinical testing. Allele origin: germline.

Color Diagnostics, LLC DBA Color Health
Classification: Likely benign for Hereditary cancer-predisposing syndrome. Last evaluated: 2019-09-13. Review status: criteria provided, single submitter. Criteria: ACMG Guidelines, 2015. Collection method: clinical testing. Allele origin: germline.

NM_004329.3(BMPR1A):c.327G>A (p.Gln109=)

Gene: BMPR1A (bone morphogenetic protein receptor type 1A; plus strand). Cytogenetic location: 10q23.2.
Variant type: single nucleotide variant.
Coding change: c.327G>A on transcript NM_004329.3 (MANE Select); coding-DNA position 327, G replaced by A.
Protein change: p.Gln109=; no amino-acid change (glutamine 109 retained).
Molecular consequence: synonymous variant.
Genome position (GRCh38, 1-based): chr10:86,892,223, G>A. VCF-style: chr10-86892223-G-A. GRCh37 (hg19) VCF-style: chr10-88651980-G-A.
Identifiers: ClinVar variation 761667 (VCV000761667.15), dbSNP rs1589764339, ClinGen allele CA470305225.